The following is an entry in ClinVar:

NM_002098.6(GUCA1B):c.526G>A (p.Val176Met)

Gene: GUCA1B (guanylate cyclase activator 1B; minus strand). Cytogenetic location: 6p21.1.
Variant type: single nucleotide variant.
Coding change: c.526G>A on transcript NM_002098.6 (MANE Select); coding-DNA position 526, G replaced by A.
Protein change: p.Val176Met; replaces valine 176 with methionine.
Molecular consequence: missense variant.
Genome position (GRCh38, 1-based): chr6:42,184,892, C>T on the plus strand (G>A on the coding strand, the complement: GUCA1B is on the minus strand). VCF-style: chr6-42184892-C-T. GRCh37 (hg19) VCF-style: chr6-42152630-C-T.
Other names: short protein forms V176M.
Identifiers: ClinVar variation 1310433 (VCV001310433.6), dbSNP rs1446471287, ClinGen allele CA364112189.

ClinVar aggregate classification (germline): Uncertain significance. Review status: criteria provided, multiple submitters, no conflicts (2 of 4 stars). 2 submissions from 2 submitters: Uncertain significance (2). Last evaluated 2022-04-22.

Allele frequency attached by ClinVar (database versions not stated): gnomAD exomes below 0.00001; TOPMed below 0.00001.
gnomAD v4.1: 3 of 1,614,014 alleles (0.00019%); highest among the groups gnomAD compares: South Asian, 0.0022%; no homozygotes.

Submissions (2):

Labcorp Genetics (formerly Invitae), Labcorp
Classification: Uncertain significance. Last evaluated: 2022-04-22. Review status: criteria provided, single submitter. Criteria: Invitae Variant Classification Sherloc (09022015). Collection method: clinical testing. Allele origin: germline.
Comment: ClinVar contains an entry for this variant (Variation ID: 1310433). This variant has not been reported in the literature in individuals affected with GUCA1B-related conditions. This variant is present in population databases (no rsID available, gnomAD 0.003%). This sequence change replaces valine, which is neutral and non-polar, with methionine, which is neutral and non-polar, at codon 176 of the GUCA1B protein (p.Val176Met). Algorithms developed to predict the effect of missense changes on protein structure and function are either unavailable or do not agree on the potential impact of this missense change (SIFT: "Deleterious"; PolyPhen-2: "Possibly Damaging"; Align-GVGD: "Class C0"). In summary, the available evidence is currently insufficient to determine the role of this variant in disease. Therefore, it has been classified as a Variant of Uncertain Significance.

GeneDx
Classification: Uncertain significance. Last evaluated: 2019-12-03. Review status: criteria provided, single submitter. Criteria: GeneDx Variant Classification Process June 2021. Collection method: clinical testing. Allele origin: germline. Affected: yes.
Comment: Not observed at a significant frequency in large population cohorts (Lek et al., 2016); In silico analysis, which includes protein predictors and evolutionary conservation, supports that this variant does not alter protein structure/function; Has not been previously published as pathogenic or benign to our knowledge